The following is an entry in ClinVar:

ClinVar aggregate classification (germline): Uncertain significance. Review status: criteria provided, multiple submitters, no conflicts (2 of 4 stars). 2 submissions from 2 submitters: Uncertain significance (2). Last evaluated 2024-02-06.

Conditions:
Leber congenital amaurosis 17 (LCA17). Identifiers: Orphanet 65, MedGen C3715164, MONDO:0014145, OMIM 615360.
Klippel-Feil syndrome 1, autosomal dominant (KFS1). Also called: CERVICAL VERTEBRAL FUSION, AUTOSOMAL DOMINANT. Identifiers: Orphanet 2345, MedGen C1861689, MONDO:0007306, OMIM 118100.
Isolated microphthalmia 4. Identifiers: Orphanet 2542, MedGen C2751307, MONDO:0013130, OMIM 613094.
Microphthalmia, isolated, with coloboma 6 (MCOPCB6). Also called: MICROPHTHALMIA/COLOBOMA 6; Microphthalmia with coloboma 6, digenic; Microphthalmia with coloboma 6. Identifiers: Orphanet 98938, MedGen C3150968, MONDO:0013376, OMIM 613703.
Multiple synostoses syndrome 4. Identifiers: MedGen C4693531, MONDO:0054752, OMIM 617898.

Allele frequency attached by ClinVar (database versions not stated): TOPMed 0.00001.

Submissions (2):

Labcorp Genetics (formerly Invitae), Labcorp
Classification: Uncertain significance for Isolated microphthalmia 4; Leber congenital amaurosis 17; Klippel-Feil syndrome 1, autosomal dominant; Microphthalmia, isolated, with coloboma 6. Last evaluated: 2024-02-06. Review status: criteria provided, single submitter. Criteria: Invitae Variant Classification Sherloc (09022015). Collection method: clinical testing. Allele origin: germline.
Comment: This sequence change replaces methionine, which is neutral and non-polar, with valine, which is neutral and non-polar, at codon 154 of the GDF6 protein (p.Met154Val). This variant is present in population databases (rs766667262, gnomAD 0.0009%). This variant has not been reported in the literature in individuals affected with GDF6-related conditions. ClinVar contains an entry for this variant (Variation ID: 835633). Advanced modeling of protein sequence and biophysical properties (such as structural, functional, and spatial information, amino acid conservation, physicochemical variation, residue mobility, and thermodynamic stability) performed at Invitae indicates that this missense variant is not expected to disrupt GDF6 protein function with a negative predictive value of 80%. In summary, the available evidence is currently insufficient to determine the role of this variant in disease. Therefore, it has been classified as a Variant of Uncertain Significance.

Department of Pathology and Laboratory Medicine, Sinai Health System
Classification: Uncertain significance for Klippel-Feil syndrome 1, autosomal dominant; Isolated microphthalmia 4; Microphthalmia, isolated, with coloboma 6; Leber congenital amaurosis 17; Multiple synostoses syndrome 4. Last evaluated: 2021-11-10. Review status: criteria provided, single submitter. Criteria: ACMG Guidelines, 2015. Collection method: research. Allele origin: germline.

NM_001001557.4(GDF6):c.460A>G (p.Met154Val)

Gene: GDF6 (growth differentiation factor 6; minus strand). Cytogenetic location: 8q22.1.
Variant type: single nucleotide variant.
Coding change: c.460A>G on transcript NM_001001557.4 (MANE Select); coding-DNA position 460, A replaced by G.
Protein change: p.Met154Val; replaces methionine 154 with valine.
Molecular consequence: missense variant.
Genome position (GRCh38, 1-based): chr8:96,145,471, T>C on the plus strand (A>G on the coding strand, the complement: GDF6 is on the minus strand). VCF-style: chr8-96145471-T-C. GRCh37 (hg19) VCF-style: chr8-97157699-T-C.
Other names: short protein forms M154V.
Identifiers: ClinVar variation 835633 (VCV000835633.10), dbSNP rs766667262, ClinGen allele CA4815454.